The following is an entry in ClinVar:

NM_001206927.2(DNAH8):c.718C>T (p.Arg240Cys)

Gene: DNAH8 (dynein axonemal heavy chain 8; plus strand). Cytogenetic location: 6p21.2.
Variant type: single nucleotide variant.
Coding change: c.718C>T on transcript NM_001206927.2 (MANE Select); coding-DNA position 718, C replaced by T.
Protein change: p.Arg240Cys; replaces arginine 240 with cysteine.
Molecular consequence: missense variant.
Genome position (GRCh38, 1-based): chr6:38,734,581, C>T. VCF-style: chr6-38734581-C-T. GRCh37 (hg19) VCF-style: chr6-38702357-C-T.
Other names: c.67C>T, p.Arg23Cys (NM_001371.4); short protein forms R240C, R23C.
Identifiers: ClinVar variation 454590 (VCV000454590.9), dbSNP rs145773185, ClinGen allele CA3788021.
Genomic context (GRCh38, chr6:38,734,581, plus strand): 5'-AAATTGTATATAGACAATGCAGCCCCGGATAAACTAAAAGGACTGTGCATATTTTTTGTT[C>T]GTTGCCGTAATGATGTTGCTATAAATGTTAAAACTATTCAAGAGGTATGTTTAAAAATTT-3'
Protein context (NP_001193856.1, residues 230-250): KLKGLCIFFV[Arg240Cys]CRNDVAINVK

ClinVar aggregate classification (germline): Uncertain significance. Review status: criteria provided, multiple submitters, no conflicts (2 of 4 stars). 2 submissions from 2 submitters: Uncertain significance (2). Last evaluated 2022-10-25.

Conditions:
Primary ciliary dyskinesia. Also called: Ciliary dyskinesia. Identifiers: Orphanet 244, MedGen C0008780, MONDO:0016575, HP:0012265.

Allele frequency attached by ClinVar (database versions not stated): ExAC 0.00002; gnomAD exomes 0.00003 and 0.00006; TOPMed 0.00006; gnomAD 0.00009; ESP Exome Variant Server 0.00015.
gnomAD v4.1: 56 of 1,613,352 alleles (0.0035%); highest among the groups gnomAD compares: Admixed American, 0.015%; no homozygotes.

Submissions (2):

Labcorp Genetics (formerly Invitae), Labcorp
Classification: Uncertain significance for Primary ciliary dyskinesia. Last evaluated: 2022-10-25. Review status: criteria provided, single submitter. Criteria: Invitae Variant Classification Sherloc (09022015). Collection method: clinical testing. Allele origin: germline.
Comment: This sequence change replaces arginine, which is basic and polar, with cysteine, which is neutral and slightly polar, at codon 240 of the DNAH8 protein (p.Arg240Cys). This variant is present in population databases (rs145773185, gnomAD 0.01%). This variant has not been reported in the literature in individuals affected with DNAH8-related conditions. ClinVar contains an entry for this variant (Variation ID: 454590). Algorithms developed to predict the effect of missense changes on protein structure and function are either unavailable or do not agree on the potential impact of this missense change (SIFT: "Deleterious"; PolyPhen-2: "Not Available"; Align-GVGD: "Class C0"). In summary, the available evidence is currently insufficient to determine the role of this variant in disease. Therefore, it has been classified as a Variant of Uncertain Significance.

Ambry Genetics
Classification: Uncertain significance. Last evaluated: 2021-06-21. Review status: criteria provided, single submitter. Criteria: Ambry Variant Classification Scheme 2023. Collection method: clinical testing. Allele origin: germline.